The following is an entry in ClinVar:

NM_145038.5(DRC1):c.1684C>T (p.Leu562Phe)

Gene: DRC1 (dynein regulatory complex subunit 1; plus strand). Cytogenetic location: 2p23.3.
Variant type: single nucleotide variant.
Coding change: c.1684C>T on transcript NM_145038.5 (MANE Select); coding-DNA position 1684, C replaced by T.
Protein change: p.Leu562Phe; replaces leucine 562 with phenylalanine.
Molecular consequence: missense variant.
Genome position (GRCh38, 1-based): chr2:26,450,676, C>T. VCF-style: chr2-26450676-C-T. GRCh37 (hg19) VCF-style: chr2-26673544-C-T.
Other names: short protein forms L562F.
Identifiers: ClinVar variation 3620474 (VCV003620474.2).

ClinVar aggregate classification (germline): Uncertain significance (1 of 4 stars; one submission).

Conditions:
Primary ciliary dyskinesia. Also called: Ciliary dyskinesia. Identifiers: Orphanet 244, MedGen C0008780, MONDO:0016575, HP:0012265.

Submission:

Labcorp Genetics (formerly Invitae), Labcorp
Classification: Uncertain significance for Primary ciliary dyskinesia. Last evaluated: 2024-05-09. Review status: criteria provided, single submitter. Criteria: Invitae Variant Classification Sherloc (09022015). Collection method: clinical testing. Allele origin: germline.
Comment: This sequence change replaces leucine, which is neutral and non-polar, with phenylalanine, which is neutral and non-polar, at codon 562 of the DRC1 protein (p.Leu562Phe). This variant is present in population databases (rs777820478, gnomAD 0.006%). This variant has not been reported in the literature in individuals affected with DRC1-related conditions. An algorithm developed to predict the effect of missense changes on protein structure and function (PolyPhen-2) suggests that this variant is likely to be disruptive. In summary, the available evidence is currently insufficient to determine the role of this variant in disease. Therefore, it has been classified as a Variant of Uncertain Significance.